The following is an entry in ClinVar:

NM_182699.4(DDX53):c.1300A>T (p.Asn434Tyr)

Genes: DDX53 (DEAD-box helicase 53; plus strand), PTCHD1-AS (PTCHD1 and PHEX antisense RNA; minus strand). Cytogenetic location: Xp22.11.
Variant type: single nucleotide variant.
Coding change: c.1300A>T on transcript NM_182699.4 (MANE Select); coding-DNA position 1300, A replaced by T.
Protein change: p.Asn434Tyr; replaces asparagine 434 with tyrosine.
Molecular consequence: missense variant.
Genome position (GRCh38, 1-based): chrX:23,001,357, A>T. VCF-style: chrX-23001357-A-T. GRCh37 (hg19) VCF-style: chrX-23019474-A-T.
Other names: short protein forms N434Y.
Identifiers: ClinVar variation 4540387 (VCV004540387.2).

ClinVar aggregate classification (germline): Uncertain significance (1 of 4 stars; one submission).

Submission:

GeneDx
Classification: Uncertain significance. Last evaluated: 2026-03-23. Review status: criteria provided, single submitter. Criteria: GeneDx Variant Classification Process June 2021. Collection method: clinical testing. Allele origin: germline.
Comment: Not observed at significant frequency in large population cohorts (gnomAD); In silico analysis supports that this missense variant has a deleterious effect on protein structure/function; Has not been previously published as pathogenic or benign to our knowledge